The following is an entry in ClinVar:

NM_004208.4(AIFM1):c.893G>A (p.Arg298Gln)

Genes: AIFM1 (apoptosis inducing factor mitochondria associated 1; minus strand), RAB33A (RAB33A, member RAS oncogene family; plus strand). Cytogenetic location: Xq26.1.
Variant type: single nucleotide variant.
Coding change: c.893G>A on transcript NM_004208.4 (MANE Select); coding-DNA position 893, G replaced by A.
Protein change: p.Arg298Gln; replaces arginine 298 with glutamine.
Molecular consequence: missense variant. On other transcripts: non-coding transcript variant (1).
Genome position (GRCh38, 1-based): chrX:130,138,667, C>T on the plus strand (G>A on the coding strand, the complement: AIFM1 is on the minus strand). VCF-style: chrX-130138667-C-T. GRCh37 (hg19) VCF-style: chrX-129272642-C-T.
Other names: c.893G>A, p.Arg298Gln (NM_001130847.4); c.881G>A, p.Arg294Gln (NM_145812.3); short protein forms R294Q, R298Q.
Identifiers: ClinVar variation 655000 (VCV000655000.13), dbSNP rs766786579, ClinGen allele CA10515373.

ClinVar aggregate classification (germline): Conflicting classifications of pathogenicity. Review status: criteria provided, conflicting classifications (1 of 4 stars). 4 submissions from 4 submitters: Uncertain significance (2); Benign (1); Likely benign (1). Last evaluated 2026-03-21.

Conditions:
Deafness, X-linked 5 (DFNX5). Also called: AUDITORY NEUROPATHY, X-LINKED, 1, WITH PERIPHERAL SENSORY NEUROPATHY; DEAFNESS, X-LINKED 5, WITH PERIPHERAL NEUROPATHY. Identifiers: Orphanet 139583, MedGen C1845095, OMIM 300614.
AIFM1-related disorder. Also called: AIFM1-related condition.
Charcot-Marie-Tooth Neuropathy X. Identifiers: MedGen CN118851.
Combined oxidative phosphorylation deficiency. Identifiers: MedGen C4540031, MONDO:0000732.

Allele frequency attached by ClinVar (database versions not stated): gnomAD exomes 0.00001 and 0.00004; TOPMed 0.00001; gnomAD 0.00004 and 0.00005; ExAC 0.00006.
gnomAD v4.1: 18 of 1,207,088 alleles (0.0015%); highest among the groups gnomAD compares: East Asian, 0.015%; no homozygotes.

Submissions (4):

PreventionGenetics, part of Exact Sciences
Classification: Uncertain significance for AIFM1-related condition. Last evaluated: 2026-03-21. Review status: criteria provided, single submitter. Criteria: ACMG Guidelines, 2015. Collection method: clinical testing. Allele origin: germline.
Comment: The AIFM1 c.893G>A variant is predicted to result in the amino acid substitution p.Arg298Gln. This variant was reported in a hemizygous state in an individual with progressive external ophthalmoplegia (Plutino et al. 2018. PubMed ID: 29625556) and in an individual with auditory neuropathy (Table S4, Wang et al. 2024. PubMed ID: 38456936). This variant is reported in 0.020% of alleles (including 3 hemizygotes) in individuals of East Asian descent in gnomAD. At this time, the clinical significance of this variant is uncertain due to the absence of conclusive functional and genetic evidence.

Laboratory of Prof. Karen Avraham, Tel Aviv University
Classification: Uncertain significance for Deafness, X-linked 5. Last evaluated: 2026-01-07. Review status: criteria provided, single submitter. Criteria: ACMG Guidelines, 2015. Collection method: research. Allele origin: germline. Inheritance: Autosomal dominant inheritance. Affected: yes. Observed: 1 variant allele.
Comment: DFNX5; sensoineural hearng loss, sloaping audiogram

Labcorp Genetics (formerly Invitae), Labcorp
Classification: Benign for Charcot-Marie-Tooth Neuropathy X; Combined oxidative phosphorylation deficiency. Last evaluated: 2025-04-17. Review status: criteria provided, single submitter. Criteria: Invitae Variant Classification Sherloc (09022015). Collection method: clinical testing. Allele origin: germline.

GeneDx
Classification: Likely benign. Last evaluated: 2019-07-03. Review status: criteria provided, single submitter. Criteria: GeneDx Variant Classification Process June 2021. Collection method: clinical testing. Allele origin: germline. Affected: yes.
Comment: See Variant Classification Assertion Criteria.